The following is an entry in ClinVar:

NM_005422.4(TECTA):c.5209T>C (p.Tyr1737His)

Genes: TBCEL-TECTA (TBCEL-TECTA readthrough; plus strand), TECTA (tectorin alpha; plus strand). Cytogenetic location: 11q23.3.
Variant type: single nucleotide variant.
Coding change: c.5209T>C on transcript NM_005422.4 (MANE Select); coding-DNA position 5209, T replaced by C.
Protein change: p.Tyr1737His; replaces tyrosine 1737 with histidine.
Molecular consequence: missense variant.
Genome position (GRCh38, 1-based): chr11:121,162,307, T>C. VCF-style: chr11-121162307-T-C. GRCh37 (hg19) VCF-style: chr11-121033016-T-C.
Other names: c.6151T>C, p.Tyr2051His (NM_001378761.1); c.5209T>C (NM_005422.2); short protein forms Y1737H, Y2051H.
Identifiers: ClinVar variation 2778177 (VCV002778177.4), dbSNP rs752025324, ClinGen allele CA6327669.

ClinVar aggregate classification (germline): Uncertain significance. Review status: criteria provided, multiple submitters, no conflicts (2 of 4 stars). 2 submissions from 2 submitters: Uncertain significance (2). Last evaluated 2025-07-31.

Conditions:
Inborn genetic diseases. Identifiers: MedGen C0950123, MeSH D030342.

Allele frequency attached by ClinVar (database versions not stated): TOPMed below 0.00001; ExAC 0.00001; gnomAD 0.00001; gnomAD exomes 0.00001.
gnomAD v4.1: 12 of 1,613,164 alleles (0.00074%); highest among the groups gnomAD compares: South Asian, 0.013%; no homozygotes.

Submissions (2):

Ambry Genetics
Classification: Uncertain significance for Inborn genetic diseases. Last evaluated: 2025-07-31. Review status: criteria provided, single submitter. Criteria: Ambry Variant Classification Scheme 2023. Collection method: clinical testing. Allele origin: germline.

Labcorp Genetics (formerly Invitae), Labcorp
Classification: Uncertain significance. Last evaluated: 2024-01-18. Review status: criteria provided, single submitter. Criteria: Invitae Variant Classification Sherloc (09022015). Collection method: clinical testing. Allele origin: germline.
Comment: This sequence change replaces tyrosine, which is neutral and polar, with histidine, which is basic and polar, at codon 1737 of the TECTA protein (p.Tyr1737His). This variant is present in population databases (rs752025324, gnomAD 0.01%). This variant has not been reported in the literature in individuals affected with TECTA-related conditions. Advanced modeling of protein sequence and biophysical properties (such as structural, functional, and spatial information, amino acid conservation, physicochemical variation, residue mobility, and thermodynamic stability) has been performed at Invitae for this missense variant, however the output from this modeling did not meet the statistical confidence thresholds required to predict the impact of this variant on TECTA protein function. In summary, the available evidence is currently insufficient to determine the role of this variant in disease. Therefore, it has been classified as a Variant of Uncertain Significance.